The following is an entry in ClinVar:

ClinVar aggregate classification (germline): Likely benign. Review status: criteria provided, multiple submitters, no conflicts (2 of 4 stars). 2 submissions from 2 submitters: Likely benign (2). Last evaluated 2024-11-19.

Conditions:
Noonan syndrome 9 (NS9). Identifiers: Orphanet 648, MedGen C4225282, MONDO:0014691, OMIM 616559.
SOS2-related disorder. Also called: SOS2-related condition.

Submissions (2):

PreventionGenetics, part of Exact Sciences
Classification: Likely benign for SOS2-related condition. Last evaluated: 2024-11-19. Review status: criteria provided, single submitter. Criteria: ACMG Guidelines, 2015. Collection method: clinical testing. Allele origin: germline.
Comment: This variant is classified as likely benign based on ACMG/AMP sequence variant interpretation guidelines (Richards et al. 2015 PMID: 25741868, with internal and published modifications).

Labcorp Genetics (formerly Invitae), Labcorp
Classification: Likely benign for Noonan syndrome 9. Last evaluated: 2024-11-03. Review status: criteria provided, single submitter. Criteria: Invitae Variant Classification Sherloc (09022015). Collection method: clinical testing. Allele origin: germline.

NM_006939.4(SOS2):c.88-9T>G

Gene: SOS2 (SOS Ras/Rho guanine nucleotide exchange factor 2; minus strand). Cytogenetic location: 14q21.3.
Variant type: single nucleotide variant.
Coding change: c.88-9T>G on transcript NM_006939.4 (MANE Select); 9 bases into the intron before coding-DNA position 88, T replaced by G.
Molecular consequence: intron variant.
Genome position (GRCh38, 1-based): chr14:50,204,418, A>C on the plus strand (T>G on the coding strand, the complement: SOS2 is on the minus strand). VCF-style: chr14-50204418-A-C. GRCh37 (hg19) VCF-style: chr14-50671136-A-C.
Other names: c.88-9T>G (NM_006939.3).
Identifiers: ClinVar variation 2160397 (VCV002160397.5), dbSNP rs2503210204, ClinGen allele CA2580088194.
Genomic context (GRCh38, chr14:50,204,418, plus strand): 5'-AATAGAGAGACTCTTCATTAGCTGAGAGAGTGGGATGCACTTGTTCCTGAACCTTTAAAA[A>C]AAAGTTATCAGTTAAAGTAATGGCAAAATAATATAAATTGAACAAAAGTCAAAGAGAATC-3'